The following is an entry in ClinVar:

ClinVar aggregate classification (germline): Pathogenic/Likely pathogenic. Review status: criteria provided, multiple submitters, no conflicts (2 of 4 stars). 3 submissions from 3 submitters: Pathogenic (2); Likely pathogenic (1). Last evaluated 2026-01-09.

Conditions:
USH2A-related disorder. Also called: USH2A-related disorders; USH2A-related condition. Identifiers: MedGen CN239332.
Retinitis pigmentosa 39 (RP39). Identifiers: Orphanet 791, MedGen C3151138, MONDO:0013436, OMIM 613809.

Submissions (3):

Myriad Genetics, Inc.
Classification: Pathogenic for USH2A-related disorder. Last evaluated: 2026-01-09. Review status: criteria provided, single submitter. Criteria: Myriad Autosomal Dominant, Autosomal Recessive and X-Linked Classification Criteria (2023). Collection method: clinical testing. Allele origin: unknown.
Comment: NM_206933.2(USH2A):c.11564delG(S3855Tfs*29) is a frameshift variant classified as pathogenic in the context of USH2A-related disorders. S3855Tfs*29 has not been observed in cases with relevant disease. Relevant functional assessments of this variant are not available in the literature. S3855Tfs*29 has not been observed in referenced population frequency databases. In summary, NM_206933.2(USH2A):c.11564delG(S3855Tfs*29) is a frameshift variant in a gene where loss of function is a known mechanism of disease and is predicted to disrupt protein function. Please note: this variant was assessed in the context of healthy population screening.

Labcorp Genetics (formerly Invitae), Labcorp
Classification: Pathogenic. Last evaluated: 2022-11-05. Review status: criteria provided, single submitter. Criteria: Invitae Variant Classification Sherloc (09022015). Collection method: clinical testing. Allele origin: germline.
Comment: For these reasons, this variant has been classified as Pathogenic. This variant has not been reported in the literature in individuals affected with USH2A-related conditions. This variant is not present in population databases (gnomAD no frequency). This sequence change creates a premature translational stop signal (p.Ser3855Thrfs*29) in the USH2A gene. It is expected to result in an absent or disrupted protein product. Loss-of-function variants in USH2A are known to be pathogenic (PMID: 10729113, 10909849, 20507924, 25649381).

Baylor Genetics
Classification: Likely pathogenic for Retinitis pigmentosa 39. Last evaluated: 2022-08-15. Review status: criteria provided, single submitter. Criteria: ACMG Guidelines, 2015. Collection method: clinical testing. Allele origin: unknown.

Literature cited by the submitters: PubMed 10729113 (cited by Labcorp Genetics (formerly Invitae), Labcorp); PubMed 10909849 (cited by Labcorp Genetics (formerly Invitae), Labcorp); PubMed 20507924 (cited by Labcorp Genetics (formerly Invitae), Labcorp); PubMed 25649381 (cited by Labcorp Genetics (formerly Invitae), Labcorp).

NM_206933.4(USH2A):c.11564del (p.Ser3855fs)

Gene: USH2A (usherin; minus strand). Cytogenetic location: 1q41.
Variant type: Deletion.
Coding change: c.11564del on transcript NM_206933.4 (MANE Select); coding-DNA position 11564, one base deleted (G; older notation c.11564delG).
Protein change: p.Ser3855fs; shifts the reading frame from serine 3855.
Molecular consequence: frameshift variant.
Genome position (GRCh38, 1-based): chr1:215,741,522, C deleted on the plus strand (G on the coding strand, the reverse complement: USH2A is on the minus strand). VCF-style (leftmost placement, unchanged base first): chr1-215741521-GC-G. GRCh37 (hg19) VCF-style: chr1-215914863-GC-G.
Other names: short protein forms S3855fs.
Identifiers: ClinVar variation 2002411 (VCV002002411.6), dbSNP rs2465067754, ClinGen allele CA2580062035.